The following is an entry in ClinVar:

NM_005708.5(GPC6):c.1255G>A (p.Glu419Lys)

Gene: GPC6 (glypican 6; plus strand). Cytogenetic location: 13q31.3.
Variant type: single nucleotide variant.
Coding change: c.1255G>A on transcript NM_005708.5 (MANE Select); coding-DNA position 1255, G replaced by A.
Protein change: p.Glu419Lys; replaces glutamic acid 419 with lysine.
Molecular consequence: missense variant.
Genome position (GRCh38, 1-based): chr13:94,382,516, G>A. VCF-style: chr13-94382516-G-A. GRCh37 (hg19) VCF-style: chr13-95034770-G-A.
Other names: short protein forms E419K.
Identifiers: ClinVar variation 2414211 (VCV002414211.3), dbSNP rs368748348, ClinGen allele CA7017134.

ClinVar aggregate classification (germline): Uncertain significance (1 of 4 stars; one submission).

Allele frequency attached by ClinVar (database versions not stated): gnomAD exomes 0.00002; gnomAD 0.00003; TOPMed 0.00003; ExAC 0.00006; 1000 Genomes Project 30x 0.00031; 1000 Genomes Project 0.00040.
gnomAD v4.1: 33 of 1,614,174 alleles (0.002%); highest among the groups gnomAD compares: East Asian, 0.025%; no homozygotes.

Submission:

Labcorp Genetics (formerly Invitae), Labcorp
Classification: Uncertain significance. Last evaluated: 2022-06-03. Review status: criteria provided, single submitter. Criteria: Invitae Variant Classification Sherloc (09022015). Collection method: clinical testing. Allele origin: germline.
Comment: This sequence change replaces glutamic acid, which is acidic and polar, with lysine, which is basic and polar, at codon 419 of the GPC6 protein (p.Glu419Lys). This variant is present in population databases (rs368748348, gnomAD 0.04%). This variant has not been reported in the literature in individuals affected with GPC6-related conditions. Algorithms developed to predict the effect of missense changes on protein structure and function are either unavailable or do not agree on the potential impact of this missense change (SIFT: "Tolerated"; PolyPhen-2: "Possibly Damaging"; Align-GVGD: "Class C0"). In summary, the available evidence is currently insufficient to determine the role of this variant in disease. Therefore, it has been classified as a Variant of Uncertain Significance.